The following is an entry in ClinVar:

ClinVar aggregate classification (germline): Uncertain significance. Review status: criteria provided, multiple submitters, no conflicts (2 of 4 stars). 5 submissions from 5 submitters: Uncertain significance (5). Last evaluated 2024-07-30.

Conditions:
Lethal multiple pterygium syndrome (LMPS). Identifiers: Orphanet 33108, MedGen C1854678, MONDO:0009668, OMIM 253290.
Congenital myasthenic syndrome 3A. Also called: Myasthenic syndrome, congenital, 3a, slow-channel. Identifiers: Orphanet 590, MedGen C4225372, MONDO:0014583, OMIM 616321.
Inborn genetic diseases. Identifiers: MedGen C0950123, MeSH D030342.

Allele frequency attached by ClinVar (database versions not stated): gnomAD below 0.00001 and 0.00005; TOPMed 0.00002; gnomAD exomes 0.00014; 1000 Genomes Project 30x 0.00016; ExAC 0.00016; 1000 Genomes Project 0.00020.
gnomAD v4.1: 112 of 1,614,030 alleles (0.0069%); highest among the groups gnomAD compares: South Asian, 0.11%; no homozygotes.

Submissions (5):

Labcorp Genetics (formerly Invitae), Labcorp
Classification: Uncertain significance for Lethal multiple pterygium syndrome. Last evaluated: 2024-07-30. Review status: criteria provided, single submitter. Criteria: Invitae Variant Classification Sherloc (09022015). Collection method: clinical testing. Allele origin: germline.
Comment: This sequence change replaces serine, which is neutral and polar, with phenylalanine, which is neutral and non-polar, at codon 166 of the CHRND protein (p.Ser166Phe). This variant is present in population databases (rs528286132, gnomAD 0.1%). This variant has not been reported in the literature in individuals affected with CHRND-related conditions. ClinVar contains an entry for this variant (Variation ID: 290021). Advanced modeling of protein sequence and biophysical properties (such as structural, functional, and spatial information, amino acid conservation, physicochemical variation, residue mobility, and thermodynamic stability) performed at Invitae indicates that this missense variant is not expected to disrupt CHRND protein function with a negative predictive value of 80%. In summary, the available evidence is currently insufficient to determine the role of this variant in disease. Therefore, it has been classified as a Variant of Uncertain Significance.

Ambry Genetics
Classification: Uncertain significance for Inborn genetic diseases. Last evaluated: 2023-10-13. Review status: criteria provided, single submitter. Criteria: Ambry Variant Classification Scheme 2023. Collection method: clinical testing. Allele origin: germline.

Foundation for Research in Genetics and Endocrinology, FRIGE's Institute of Human Genetics
Classification: Uncertain significance for Congenital myasthenic syndrome 3A. Last evaluated: 2021-09-08. Review status: criteria provided, single submitter. Criteria: ACMG Guidelines, 2015. Collection method: clinical testing. Allele origin: germline. Inheritance: Autosomal dominant inheritance. Affected: yes. Observed: 1 heterozygote.
Comment: A heterozygous missense variation in exon 5 of the CHRND gene that results in the amino acid substitution of Phenylalanine for Serine at codon 166 was detected. The observed variant c.497C>T (p.Ser166Phe) has a minor allele frequency of 0.01% in the 1000 genomes and 0.002% in the gnomAD database. The in silico prediction of the variant are damaging by SIFT, LRT and MutationTaster2. The reference codon is conserved across species. In summary, the variant meets our criteria to be classified as a variant of uncertain significance.

Revvity Omics, Revvity
Classification: Uncertain significance. Last evaluated: 2019-06-24. Review status: criteria provided, single submitter. Criteria: ACMG Guidelines, 2015. Collection method: clinical testing. Allele origin: germline.

Eurofins Ntd Llc (ga)
Classification: Uncertain significance. Last evaluated: 2016-08-04. Review status: criteria provided, single submitter. Criteria: EGL Classification Definitions 2015. Collection method: clinical testing. Allele origin: germline. Observed: 1 variant allele, 1 heterozygote.

NM_000751.3(CHRND):c.497C>T (p.Ser166Phe)

Gene: CHRND (cholinergic receptor nicotinic delta subunit; plus strand). Cytogenetic location: 2q37.1.
Variant type: single nucleotide variant.
Coding change: c.497C>T on transcript NM_000751.3 (MANE Select); coding-DNA position 497, C replaced by T.
Protein change: p.Ser166Phe; replaces serine 166 with phenylalanine.
Molecular consequence: missense variant.
Genome position (GRCh38, 1-based): chr2:232,528,644, C>T. VCF-style: chr2-232528644-C-T. GRCh37 (hg19) VCF-style: chr2-233393354-C-T.
Other names: p.Ser166Phe; c.497C>T (NM_000751.1); c.452C>T, p.Ser151Phe (NM_001256657.2); c.226C>T, p.Pro76Ser (NM_001311195.2); c.194C>T, p.Ser65Phe (NM_001311196.2); short protein forms S166F, P76S, S151F, S65F.
Identifiers: ClinVar variation 290021 (VCV000290021.14), dbSNP rs528286132, ClinGen allele CA2168037.
Genomic context (GRCh38, chr2:232,528,644, plus strand): 5'-TCTTCCGCTCCTCCTGCCCCATCTCTGTCACCTATTTCCCCTTCGACTGGCAGAACTGCT[C>T]CCTCAAGTTCAGGTGTGCCCTTTTCTCCAGCCACCCCTCACCCCAAAGCACCCTGCCAGA-3'
Protein context (NP_000742.1, residues 156-176): TYFPFDWQNC[Ser166Phe]LKFSSLKYTA